The following is an entry in ClinVar:

NM_001330260.2(SCN8A):c.3274T>A (p.Leu1092Met)

Gene: SCN8A (sodium voltage-gated channel alpha subunit 8; plus strand). Cytogenetic location: 12q13.13.
Variant type: single nucleotide variant.
Coding change: c.3274T>A on transcript NM_001330260.2 (MANE Select); coding-DNA position 3274, T replaced by A.
Protein change: p.Leu1092Met; replaces leucine 1092 with methionine.
Molecular consequence: missense variant.
Genome position (GRCh38, 1-based): chr12:51,769,237, T>A. VCF-style: chr12-51769237-T-A. GRCh37 (hg19) VCF-style: chr12-52163021-T-A.
Other names: c.3274T>A, p.Leu1092Met (NM_001177984.3, NM_001369788.1, NM_014191.4); short protein forms L1092M.
Identifiers: ClinVar variation 862518 (VCV000862518.10), dbSNP rs1942886229, ClinGen allele CA384893337.

ClinVar aggregate classification (germline): Uncertain significance (1 of 4 stars; one submission).

Conditions:
Early-infantile DEE. Also called: Early infantile epileptic encephalopathy; Early infantile epileptic encephalopathy with suppression bursts; Ohtahara syndrome. Identifiers: Orphanet 1934, MedGen C0393706, MONDO:0800491.

Submission:

Labcorp Genetics (formerly Invitae), Labcorp
Classification: Uncertain significance for Early-infantile DEE. Last evaluated: 2019-04-03. Review status: criteria provided, single submitter. Criteria: Invitae Variant Classification Sherloc (09022015). Collection method: clinical testing. Allele origin: germline.
Comment: In summary, the available evidence is currently insufficient to determine the role of this variant in disease. Therefore, it has been classified as a Variant of Uncertain Significance. Algorithms developed to predict the effect of missense changes on protein structure and function are either unavailable or do not agree on the potential impact of this missense change (SIFT: "Deleterious"; PolyPhen-2: "Probably Damaging"; Align-GVGD: "Class C0"). This variant has not been reported in the literature in individuals with SCN8A-related conditions. This variant is not present in population databases (ExAC no frequency). This sequence change replaces leucine with methionine at codon 1092 of the SCN8A protein (p.Leu1092Met). The leucine residue is highly conserved and there is a small physicochemical difference between leucine and methionine.